The following is an entry in ClinVar:

ClinVar aggregate classification (germline): Uncertain significance (1 of 4 stars; one submission).

gnomAD v4.1: 2 of 1,612,600 alleles (0.00012%); highest among the groups gnomAD compares: East Asian, 0.0045%; no homozygotes.

Submission:

Ambry Genetics
Classification: Uncertain significance. Last evaluated: 2024-09-02. Review status: criteria provided, single submitter. Criteria: Ambry Variant Classification Scheme 2023. Collection method: clinical testing. Allele origin: germline.
Comment: The p.A460V variant (also known as c.1379C>T), located in coding exon 14 of the SLMAP gene, results from a C to T substitution at nucleotide position 1379. The alanine at codon 460 is replaced by valine, an amino acid with similar properties. This amino acid position is conserved. In addition, this alteration is predicted to be tolerated by in silico analysis. Based on the available evidence, the clinical significance of this variant remains unclear.

NM_001377540.1(SLMAP):c.1481C>T (p.Ala494Val)

Gene: SLMAP (sarcolemma associated protein; plus strand). Cytogenetic location: 3p14.3.
Variant type: single nucleotide variant.
Coding change: c.1481C>T on transcript NM_001377540.1 (MANE Select); coding-DNA position 1481, C replaced by T.
Protein change: p.Ala494Val; replaces alanine 494 with valine.
Molecular consequence: missense variant. On other transcripts: non-coding transcript variant (1).
Genome position (GRCh38, 1-based): chr3:57,896,912, C>T. VCF-style: chr3-57896912-C-T. GRCh37 (hg19) VCF-style: chr3-57882639-C-T.
Other names: c.1430C>T, p.Ala477Val (NM_001304420.3, NM_001377541.1, NM_001377542.1 and 2 more transcripts); c.1316C>T, p.Ala439Val (NM_001304421.2, NM_001377557.1, NM_001377559.1 and 1 more transcripts); c.32C>T, p.Ala11Val (NM_001304422.3, NM_001304423.3, NM_001311178.2 and 4 more transcripts); c.1481C>T, p.Ala494Val (NM_001377538.1, NM_001377539.1, NM_001377555.1); c.1418C>T, p.Ala473Val (NM_001377545.1, NM_001377922.1); c.1379C>T, p.Ala460Val (NM_001377549.1, NM_001377923.1, NM_007159.5); c.1367C>T, p.Ala456Val (NM_001377551.1, NM_001377552.1, NM_001377924.1); short protein forms A477V, A11V, A456V, A460V, A473V, A439V, A494V.
Identifiers: ClinVar variation 3445703 (VCV003445703.1).
Genomic context (GRCh38, chr3:57,896,912, plus strand): 5'-GTATTTTTTTCCTCTCTGTAGACGCCCAAATGGATGAGCAAGACCTAAATGAGCCTCTTG[C>T]CAAAGTGTCCCTTTTAAAAGGTACTTTAACATGTTTTTATGACATCGTAAACCAGGGTAT-3'
Protein context (NP_001364469.1, residues 484-504): MDEQDLNEPL[Ala494Val]KVSLLKDDLQ